The following is an entry in ClinVar:

NM_015122.3(FCHO1):c.2243C>A (p.Pro748His)

Gene: FCHO1 (FCH and mu domain containing endocytic adaptor 1; plus strand). Cytogenetic location: 19p13.11.
Variant type: single nucleotide variant.
Coding change: c.2243C>A on transcript NM_015122.3 (MANE Select); coding-DNA position 2243, C replaced by A.
Protein change: p.Pro748His; replaces proline 748 with histidine.
Molecular consequence: missense variant. On other transcripts: non-coding transcript variant (35), intron variant (6).
Genome position (GRCh38, 1-based): chr19:17,784,741, C>A. VCF-style: chr19-17784741-C-A. GRCh37 (hg19) VCF-style: chr19-17895550-C-A.
Other names: c.2243C>A, p.Pro748His (NM_001161357.2, NM_001161358.2, NM_001384370.1 and 11 more transcripts); c.2093C>A, p.Pro698His (NM_001161359.2, NM_001384384.1, NM_001384385.1 and 1 more transcripts); c.2204C>A, p.Pro735His (NM_001384388.1, NM_001384389.1); c.1967C>A, p.Pro656His (NM_001384401.1, NM_001384402.1, NM_001384396.1 and 4 more transcripts); c.1922C>A, p.Pro641His (NM_001384403.1); c.1950+506C>A (NM_001384404.1); c.1800+506C>A (NM_001384406.1); c.1523+1569C>A (NM_001384407.1); and 5 more; short protein forms P656H, P698H, P735H, P641H, P709H, P723H, P748H.
Identifiers: ClinVar variation 2068671 (VCV002068671.4), dbSNP rs759802709, ClinGen allele CA404757756.

ClinVar aggregate classification (germline): Uncertain significance (1 of 4 stars; one submission).

gnomAD v4.1: 1 of 1,614,084 alleles (0.000062%); highest among the groups gnomAD compares: Non-Finnish European, 0.000085%; no homozygotes.

Submission:

Labcorp Genetics (formerly Invitae), Labcorp
Classification: Uncertain significance. Last evaluated: 2022-04-28. Review status: criteria provided, single submitter. Criteria: Invitae Variant Classification Sherloc (09022015). Collection method: clinical testing. Allele origin: germline.
Comment: This variant has not been reported in the literature in individuals affected with FCHO1-related conditions. This sequence change replaces proline, which is neutral and non-polar, with histidine, which is basic and polar, at codon 748 of the FCHO1 protein (p.Pro748His). This variant is not present in population databases (gnomAD no frequency). Algorithms developed to predict the effect of missense changes on protein structure and function are either unavailable or do not agree on the potential impact of this missense change (SIFT: "Deleterious"; PolyPhen-2: "Possibly Damaging"; Align-GVGD: "Class C0"). Algorithms developed to predict the effect of sequence changes on RNA splicing suggest that this variant may create or strengthen a splice site. In summary, the available evidence is currently insufficient to determine the role of this variant in disease. Therefore, it has been classified as a Variant of Uncertain Significance.